The following is an entry in ClinVar:

NM_001145026.2(PTPRQ):c.6115+3A>G

Gene: PTPRQ (protein tyrosine phosphatase receptor type Q; plus strand). Cytogenetic location: 12q21.31.
Variant type: single nucleotide variant.
Coding change: c.6115+3A>G on transcript NM_001145026.2 (MANE Select); 3 bases into the intron after coding-DNA position 6115, A replaced by G.
Molecular consequence: intron variant.
Genome position (GRCh38, 1-based): chr12:80,652,837, A>G. VCF-style: chr12-80652837-A-G. GRCh37 (hg19) VCF-style: chr12-81046616-A-G.
Identifiers: ClinVar variation 3573555 (VCV003573555.2).

ClinVar aggregate classification (germline): Uncertain significance (1 of 4 stars; one submission).

gnomAD v4.1: 7 of 1,487,650 alleles (0.00047%); highest among the groups gnomAD compares: Non-Finnish European, 0.00063%; no homozygotes.

Submission:

GeneDx
Classification: Uncertain significance. Last evaluated: 2025-10-01. Review status: criteria provided, single submitter. Criteria: GeneDx Variant Classification Process June 2021. Collection method: clinical testing. Allele origin: germline.
Comment: Not observed at significant frequency in large population cohorts (gnomAD); In silico analysis supports a deleterious effect on splicing; Has not been previously published as pathogenic or benign to our knowledge